The following is an entry in ClinVar:

ClinVar aggregate classification (germline): Uncertain significance (1 of 4 stars; one submission).

gnomAD v4.1: 3 of 1,614,146 alleles (0.00019%); highest among the groups gnomAD compares: African/African-American, 0.0013%; no homozygotes.

Submission:

GeneDx
Classification: Uncertain significance. Last evaluated: 2024-06-27. Review status: criteria provided, single submitter. Criteria: GeneDx Variant Classification Process June 2021. Collection method: clinical testing. Allele origin: germline. Affected: yes.
Comment: Not observed at significant frequency in large population cohorts (gnomAD); In silico analysis indicates that this missense variant does not alter protein structure/function; Has not been previously published as pathogenic or benign to our knowledge

NM_001347721.2(DYRK1A):c.1580G>A (p.Arg527Gln)

Gene: DYRK1A (dual specificity tyrosine phosphorylation regulated kinase 1A; plus strand). Cytogenetic location: 21q22.13.
Variant type: single nucleotide variant.
Coding change: c.1580G>A on transcript NM_001347721.2 (MANE Select); coding-DNA position 1580, G replaced by A.
Protein change: p.Arg527Gln; replaces arginine 527 with glutamine.
Molecular consequence: missense variant. On other transcripts: intron variant (1).
Genome position (GRCh38, 1-based): chr21:37,506,159, G>A. VCF-style: chr21-37506159-G-A. GRCh37 (hg19) VCF-style: chr21-38878462-G-A.
Other names: c.1580G>A, p.Arg527Gln (NM_001347722.2, NM_130436.2); c.1493G>A, p.Arg498Gln (NM_001347723.2); c.1607G>A, p.Arg536Gln (NM_001396.5, NM_101395.2); c.1546+570G>A (NM_130438.2); short protein forms R536Q, R498Q, R527Q.
Identifiers: ClinVar variation 3393599 (VCV003393599.1).
Genomic context (GRCh38, chr21:37,506,159, plus strand): 5'-GTGGCTCATCGGGGACAAGCAACAGTGGGAGAGCCCGGTCGGATCCGACGCACCAGCATC[G>A]GCACAGTGGTGGGCACTTCACAGCTGCCGTGCAGGCCATGGACTGCGAGACACACAGTCC-3'
Protein context (NP_001334650.1, residues 517-537): RARSDPTHQH[Arg527Gln]HSGGHFTAAV